The following is an entry in ClinVar:

NM_000553.6(WRN):c.3761C>T (p.Thr1254Ile)

Gene: WRN (WRN RecQ like helicase; plus strand). Cytogenetic location: 8p12.
Variant type: single nucleotide variant.
Coding change: c.3761C>T on transcript NM_000553.6 (MANE Select); coding-DNA position 3761, C replaced by T.
Protein change: p.Thr1254Ile; replaces threonine 1254 with isoleucine.
Molecular consequence: missense variant.
Genome position (GRCh38, 1-based): chr8:31,154,697, C>T. VCF-style: chr8-31154697-C-T. GRCh37 (hg19) VCF-style: chr8-31012213-C-T.
Other names: short protein forms T1254I.
Identifiers: ClinVar variation 648335 (VCV000648335.6), dbSNP rs1248278851, ClinGen allele CA370929130.
Genomic context (GRCh38, chr8:31,154,697, plus strand): 5'-CAAGTACAAAACCTCAAGAAGAACAGAAGACGAGTCTGGTAGCAAAAAATAAAATATGCA[C>T]ACTTTCACAGTCTATGGCCATCACATACTCTTTATTCCAAGAAAAGAAGATGCCTTTGGT-3'
Protein context (NP_000544.2, residues 1244-1264): TSLVAKNKIC[Thr1254Ile]LSQSMAITYS

ClinVar aggregate classification (germline): Uncertain significance (1 of 4 stars; one submission).

Conditions:
Werner syndrome (WRN). Identifiers: Orphanet 902, MedGen C0043119, MONDO:0010196, OMIM 277700.

Allele frequency attached by ClinVar (database versions not stated): gnomAD exomes below 0.00001.
gnomAD v4.1: 2 of 1,613,570 alleles (0.00012%); highest among the groups gnomAD compares: Admixed American, 0.0017%; no homozygotes.

Submission:

Labcorp Genetics (formerly Invitae), Labcorp
Classification: Uncertain significance for Werner syndrome. Last evaluated: 2025-11-10. Review status: criteria provided, single submitter. Criteria: Invitae Variant Classification Sherloc (09022015). Collection method: clinical testing. Allele origin: germline.
Comment: This sequence change replaces threonine, which is neutral and polar, with isoleucine, which is neutral and non-polar, at codon 1254 of the WRN protein (p.Thr1254Ile). This variant is present in population databases (no rsID available, gnomAD 0.003%). This variant has not been reported in the literature in individuals affected with WRN-related conditions. ClinVar contains an entry for this variant (Variation ID: 648335). An algorithm developed to predict the effect of missense changes on protein structure and function (PolyPhen-2) suggests that this variant is likely to be tolerated. In summary, the available evidence is currently insufficient to determine the role of this variant in disease. Therefore, it has been classified as a Variant of Uncertain Significance.